The following is an entry in ClinVar:

NM_000051.4(ATM):c.4565G>T (p.Gly1522Val)

Gene: ATM (ATM serine/threonine kinase; plus strand). Cytogenetic location: 11q22.3.
Variant type: single nucleotide variant.
Coding change: c.4565G>T on transcript NM_000051.4 (MANE Select); coding-DNA position 4565, G replaced by T.
Protein change: p.Gly1522Val; replaces glycine 1522 with valine.
Molecular consequence: missense variant.
Genome position (GRCh38, 1-based): chr11:108,292,747, G>T. VCF-style: chr11-108292747-G-T. GRCh37 (hg19) VCF-style: chr11-108163474-G-T.
Other names: c.4565G>T, p.Gly1522Val (NM_001351834.2); short protein forms G1522V.
Identifiers: ClinVar variation 947741 (VCV000947741.10), dbSNP rs1555099954, ClinGen allele CA382533875.

ClinVar aggregate classification (germline): Uncertain significance. Review status: criteria provided, multiple submitters, no conflicts (2 of 4 stars). 2 submissions from 2 submitters: Uncertain significance (2). Last evaluated 2025-02-18.

Conditions:
Ataxia-telangiectasia syndrome (AT). Also called: Ataxia-telangiectasia, complementation group E; Ataxia telangiectasia (A-T); LOUIS-BAR SYNDROME; ATAXIA-TELANGIECTASIA, FRESNO VARIANT; AT, COMPLEMENTATION GROUP C; Ataxia-telangiectasia. Identifiers: Orphanet 100, MedGen C0004135, MONDO:0008840, OMIM 208900.
Hereditary cancer-predisposing syndrome. Also called: Neoplastic Syndromes, Hereditary; Hereditary neoplastic syndrome; Hereditary Cancer Syndrome; Tumor predisposition. Identifiers: Orphanet 140162, MedGen C0027672, MeSH D009386, MONDO:0015356.

Submissions (2):

Ambry Genetics
Classification: Uncertain significance for Hereditary cancer-predisposing syndrome. Last evaluated: 2025-02-18. Review status: criteria provided, single submitter. Criteria: Ambry Variant Classification Scheme 2023. Collection method: clinical testing. Allele origin: germline.
Comment: The p.G1522V variant (also known as c.4565G>T), located in coding exon 29 of the ATM gene, results from a G to T substitution at nucleotide position 4565. The glycine at codon 1522 is replaced by valine, an amino acid with dissimilar properties. This amino acid position is conserved. In addition, this alteration is predicted to be deleterious by in silico analysis. Based on the available evidence, the clinical significance of this variant remains unclear.

Labcorp Genetics (formerly Invitae), Labcorp
Classification: Uncertain significance for Ataxia-telangiectasia syndrome. Last evaluated: 2019-08-19. Review status: criteria provided, single submitter. Criteria: Invitae Variant Classification Sherloc (09022015). Collection method: clinical testing. Allele origin: germline.
Comment: This sequence change replaces glycine with valine at codon 1522 of the ATM protein (p.Gly1522Val). The glycine residue is highly conserved and there is a moderate physicochemical difference between glycine and valine. This variant is not present in population databases (ExAC no frequency). This variant has not been reported in the literature in individuals with ATM-related conditions. Algorithms developed to predict the effect of missense changes on protein structure and function are either unavailable or do not agree on the potential impact of this missense change (SIFT: "Deleterious"; PolyPhen-2: "Benign"; Align-GVGD: "Class C65"). In summary, the available evidence is currently insufficient to determine the role of this variant in disease. Therefore, it has been classified as a Variant of Uncertain Significance.